The following is an entry in ClinVar:

ClinVar aggregate classification (germline): Uncertain significance. Review status: criteria provided, multiple submitters, no conflicts (2 of 4 stars). 2 submissions from 2 submitters: Uncertain significance (2). Last evaluated 2025-11-26.

Conditions:
Inborn genetic diseases. Identifiers: MedGen C0950123, MeSH D030342.

Submissions (2):

Ambry Genetics
Classification: Uncertain significance for Inborn genetic diseases. Last evaluated: 2025-11-26. Review status: criteria provided, single submitter. Criteria: Ambry Variant Classification Scheme 2023. Collection method: clinical testing. Allele origin: germline.

Labcorp Genetics (formerly Invitae), Labcorp
Classification: Uncertain significance. Last evaluated: 2025-06-27. Review status: criteria provided, single submitter. Criteria: Invitae Variant Classification Sherloc (09022015). Collection method: clinical testing. Allele origin: germline.
Comment: This sequence change replaces serine, which is neutral and polar, with arginine, which is basic and polar, at codon 184 of the PACS2 protein (p.Ser184Arg). This variant is present in population databases (rs377643544, gnomAD 0.0009%). This variant has not been reported in the literature in individuals affected with PACS2-related conditions. ClinVar contains an entry for this variant (Variation ID: 1516159). An algorithm developed to predict the effect of missense changes on protein structure and function (PolyPhen-2) suggests that this variant is likely to be tolerated. In summary, the available evidence is currently insufficient to determine the role of this variant in disease. Therefore, it has been classified as a Variant of Uncertain Significance.

NM_001100913.3(PACS2):c.550A>C (p.Ser184Arg)

Gene: PACS2 (phosphofurin acidic cluster sorting protein 2; plus strand). Cytogenetic location: 14q32.33.
Variant type: single nucleotide variant.
Coding change: c.550A>C on transcript NM_001100913.3 (MANE Select); coding-DNA position 550, A replaced by C.
Protein change: p.Ser184Arg; replaces serine 184 with arginine.
Molecular consequence: missense variant.
Genome position (GRCh38, 1-based): chr14:105,367,339, A>C. VCF-style: chr14-105367339-A-C. GRCh37 (hg19) VCF-style: chr14-105833676-A-C.
Other names: c.349A>C, p.Ser117Arg (NM_001243127.3); c.550A>C, p.Ser184Arg (NM_015197.4); c.550A>C (NM_001100913.2); short protein forms S117R, S184R.
Identifiers: ClinVar variation 1516159 (VCV001516159.9), dbSNP rs377643544, ClinGen allele CA7388411.